The following is an entry in ClinVar:

NM_006180.6(NTRK2):c.584G>C (p.Gly195Ala)

Gene: NTRK2 (neurotrophic receptor tyrosine kinase 2; plus strand). Cytogenetic location: 9q21.33.
Variant type: single nucleotide variant.
Coding change: c.584G>C on transcript NM_006180.6 (MANE Select); coding-DNA position 584, G replaced by C.
Protein change: p.Gly195Ala; replaces glycine 195 with alanine.
Molecular consequence: missense variant.
Genome position (GRCh38, 1-based): chr9:84,723,573, G>C. VCF-style: chr9-84723573-G-C. GRCh37 (hg19) VCF-style: chr9-87338488-G-C.
Other names: c.584G>C, p.Gly195Ala (NM_001007097.3, NM_001018064.3, NM_001018065.2 and 19 more transcripts); c.116G>C, p.Gly39Ala (NM_001369535.1, NM_001369536.1, NM_001369550.1 and 2 more transcripts); short protein forms G39A, G195A.
Identifiers: ClinVar variation 1940224 (VCV001940224.6), dbSNP rs764986674, ClinGen allele CA374006823.
Genomic context (GRCh38, chr9:84,723,573, plus strand): 5'-TATTTTGATACTGCATTTAACTATTTGCATATGCCTCTGTTTACTTTTCTTGTTCCATAG[G>C]TTTGCCATCTGCAAATCTGGCCGCACCTAACCTCACTGTGGAGGAAGGAAAGTCTATCAC-3'
Protein context (NP_006171.2, residues 185-205): PLANLQIPNC[Gly195Ala]LPSANLAAPN

ClinVar aggregate classification (germline): Uncertain significance. Review status: criteria provided, multiple submitters, no conflicts (2 of 4 stars). 2 submissions from 2 submitters: Uncertain significance (2). Last evaluated 2024-08-06.

gnomAD v4.1: 2 of 1,613,968 alleles (0.00012%); highest among the groups gnomAD compares: Admixed American, 0.0017%; no homozygotes.

Submissions (2):

Blueprint Genetics
Classification: Uncertain significance. Last evaluated: 2024-08-06. Review status: criteria provided, single submitter. Criteria: ACMG Guidelines, 2015. Collection method: clinical testing. Allele origin: germline.

Labcorp Genetics (formerly Invitae), Labcorp
Classification: Uncertain significance. Last evaluated: 2024-04-29. Review status: criteria provided, single submitter. Criteria: Invitae Variant Classification Sherloc (09022015). Collection method: clinical testing. Allele origin: germline.
Comment: This sequence change replaces glycine, which is neutral and non-polar, with alanine, which is neutral and non-polar, at codon 195 of the NTRK2 protein (p.Gly195Ala). This variant is present in population databases (no rsID available, gnomAD 0.0009%). This variant has not been reported in the literature in individuals affected with NTRK2-related conditions. ClinVar contains an entry for this variant (Variation ID: 1940224). An algorithm developed to predict the effect of missense changes on protein structure and function (PolyPhen-2) suggests that this variant is likely to be disruptive. In summary, the available evidence is currently insufficient to determine the role of this variant in disease. Therefore, it has been classified as a Variant of Uncertain Significance.